The following is an entry in ClinVar:

ClinVar aggregate classification (germline): Uncertain significance. Review status: criteria provided, multiple submitters, no conflicts (2 of 4 stars). 2 submissions from 2 submitters: Uncertain significance (2). Last evaluated 2025-12-09.

Conditions:
Gorlin syndrome. Also called: Nevoid Basal Cell Carcinoma Syndrome; Basal cell nevus syndrome. Identifiers: Orphanet 377, MedGen C0004779, MONDO:0007187.
Medulloblastoma (MDB). Also called: Medulloblastoma, somatic; MEDULLOBLASTOMA PREDISPOSITION SYNDROME. Identifiers: Orphanet 616, MedGen C0025149, MeSH D008527, MONDO:0007959, OMIM 155255, HP:0002885.
Hereditary cancer-predisposing syndrome. Also called: Neoplastic Syndromes, Hereditary; Hereditary Cancer Syndrome; Tumor predisposition; Hereditary neoplastic syndrome. Identifiers: Orphanet 140162, MedGen C0027672, MeSH D009386, MONDO:0015356.

gnomAD v4.1: 8 of 1,614,202 alleles (0.0005%); highest among the groups gnomAD compares: Non-Finnish European, 0.00068%; no homozygotes.

Submissions (2):

Labcorp Genetics (formerly Invitae), Labcorp
Classification: Uncertain significance for Gorlin syndrome; Medulloblastoma. Last evaluated: 2025-12-09. Review status: criteria provided, single submitter. Criteria: Invitae Variant Classification Sherloc (09022015). Collection method: clinical testing. Allele origin: germline.
Comment: This sequence change replaces asparagine, which is neutral and polar, with lysine, which is basic and polar, at codon 215 of the SUFU protein (p.Asn215Lys). This variant is not present in population databases (gnomAD no frequency). This variant has not been reported in the literature in individuals affected with SUFU-related conditions. ClinVar contains an entry for this variant (Variation ID: 1463570). Invitae Evidence Modeling of protein sequence and biophysical properties (such as structural, functional, and spatial information, amino acid conservation, physicochemical variation, residue mobility, and thermodynamic stability) indicates that this missense variant is not expected to disrupt SUFU protein function with a negative predictive value of 80%. In summary, the available evidence is currently insufficient to determine the role of this variant in disease. Therefore, it has been classified as a Variant of Uncertain Significance.

Ambry Genetics
Classification: Uncertain significance for Hereditary cancer-predisposing syndrome. Last evaluated: 2024-08-12. Review status: criteria provided, single submitter. Criteria: Ambry Variant Classification Scheme 2023. Collection method: clinical testing. Allele origin: germline.
Comment: The p.N215K variant (also known as c.645C>G), located in coding exon 5 of the SUFU gene, results from a C to G substitution at nucleotide position 645. The asparagine at codon 215 is replaced by lysine, an amino acid with similar properties. This amino acid position is conserved. In addition, this alteration is predicted to be tolerated by in silico analysis. Since supporting evidence is limited at this time, the clinical significance of this alteration remains unclear.

NM_016169.4(SUFU):c.645C>G (p.Asn215Lys)

Gene: SUFU (SUFU negative regulator of hedgehog signaling; plus strand). Cytogenetic location: 10q24.32.
Variant type: single nucleotide variant.
Coding change: c.645C>G on transcript NM_016169.4 (MANE Select); coding-DNA position 645, C replaced by G.
Protein change: p.Asn215Lys; replaces asparagine 215 with lysine.
Molecular consequence: missense variant.
Genome position (GRCh38, 1-based): chr10:102,593,683, C>G. VCF-style: chr10-102593683-C-G. GRCh37 (hg19) VCF-style: chr10-104353440-C-G.
Other names: c.645C>G, p.Asn215Lys (NM_001178133.2); short protein forms N215K.
Identifiers: ClinVar variation 1463570 (VCV001463570.11), dbSNP rs551772204, ClinGen allele CA377909534.
Genomic context (GRCh38, chr10:102,593,683, plus strand): 5'-TCCTGGGCCTCAGATCGTTGGTGTCTGCACTGAAGAGCTACACTCAGCCCAGCAGTGGAA[C>G]GGGCAGGGCATCCTGGAGCTGCTGCGGACAGTGCCTATGTGAGTACCCATGCAAGGTGGG-3'
Protein context (NP_057253.2, residues 205-225): TEELHSAQQW[Asn215Lys]GQGILELLRT